The following is an entry in ClinVar:

ClinVar aggregate classification (germline): Uncertain significance. Review status: criteria provided, multiple submitters, no conflicts (2 of 4 stars). 2 submissions from 2 submitters: Uncertain significance (2). Last evaluated 2024-01-06.

Conditions:
Loeys-Dietz syndrome 2 (LDS2). Also called: Marfan syndrome, type 2 (formerly); Marfan Syndrome type 2; Marfan like connective tissue disorder; MFS 2; TGFBR2-Related Loeys-Dietz Syndrome; AORTIC ANEURYSM, FAMILIAL THORACIC 3. Identifiers: Orphanet 284973, Orphanet 558, MedGen C2674574, MONDO:0012427, OMIM 610168.

Submissions (2):

Ambry Genetics
Classification: Uncertain significance. Last evaluated: 2024-01-06. Review status: criteria provided, single submitter. Criteria: Ambry Variant Classification Scheme 2023. Collection method: clinical testing. Allele origin: germline.
Comment: The p.N398H variant (also known as c.1192A>C), located in coding exon 4 of the TMPO gene, results from an A to C substitution at nucleotide position 1192. The asparagine at codon 398 is replaced by histidine, an amino acid with similar properties. This amino acid position is conserved. In addition, this alteration is predicted to be tolerated by in silico analysis. Since supporting evidence is limited at this time, the clinical significance of this alteration remains unclear.

Labcorp Genetics (formerly Invitae), Labcorp
Classification: Uncertain significance for Loeys-Dietz syndrome 2. Last evaluated: 2022-06-14. Review status: criteria provided, single submitter. Criteria: Invitae Variant Classification Sherloc (09022015). Collection method: clinical testing. Allele origin: germline.
Comment: In summary, the available evidence is currently insufficient to determine the role of this variant in disease. Therefore, it has been classified as a Variant of Uncertain Significance. Algorithms developed to predict the effect of missense changes on protein structure and function output the following: SIFT: "Tolerated"; PolyPhen-2: "Benign"; Align-GVGD: "Class C0". The histidine amino acid residue is found in multiple mammalian species, which suggests that this missense change does not adversely affect protein function. This variant has not been reported in the literature in individuals affected with TMPO-related conditions. This variant is not present in population databases (gnomAD no frequency). This sequence change replaces asparagine, which is neutral and polar, with histidine, which is basic and polar, at codon 398 of the TMPO protein (p.Asn398His).

NM_001032283.3(TMPO):c.565+1611A>C

Gene: TMPO (thymopoietin; plus strand). Cytogenetic location: 12q23.1.
Variant type: single nucleotide variant.
Coding change: c.565+1611A>C on transcript NM_001032283.3 (MANE Select); 1611 bases into the intron after coding-DNA position 565, A replaced by C.
Molecular consequence: intron variant. On other transcripts: missense variant (1).
Genome position (GRCh38, 1-based): chr12:98,533,449, A>C. VCF-style: chr12-98533449-A-C. GRCh37 (hg19) VCF-style: chr12-98927227-A-C.
Other names: c.1192A>C, p.Asn398His (NM_003276.2); c.565+1611A>C (NM_001307975.2, NM_001032284.3); short protein forms N398H.
Identifiers: ClinVar variation 1927612 (VCV001927612.6), dbSNP rs946275644, ClinGen allele CA242224738.
Genomic context (GRCh38, chr12:98,533,449, plus strand): 5'-AGAGATTATGTCAATTCTCTGTTGGTCCAGGGTGGGGTAGGTAGTTTGCCTGGAACTTCT[A>C]ACTCTATGCCCCCACTGGATGTAGAAAACATACAGAAGAGAATTGATCAGTCTAAGTTTC-3'